The following is an entry in ClinVar:

ClinVar aggregate classification (germline): Uncertain significance. Review status: criteria provided, single submitter (1 of 4 stars). 2 submissions from 2 submitters: Uncertain significance (1). 1 of the submissions does not count toward it. Last evaluated 2026-01-19.

Conditions:
SLIT2-related disorder. Also called: SLIT2-related condition.

Allele frequency attached by ClinVar (database versions not stated): ESP Exome Variant Server 0.00069.
gnomAD v4.1: 757 of 1,612,910 alleles (0.047%); highest among the groups gnomAD compares: Non-Finnish European, 0.057%; no homozygotes.

Submissions (2):

Labcorp Genetics (formerly Invitae), Labcorp
Classification: Uncertain significance. Last evaluated: 2026-01-19. Review status: criteria provided, single submitter. Criteria: Invitae Variant Classification Sherloc (09022015). Collection method: clinical testing. Allele origin: germline.
Comment: This sequence change affects codon 714 of the SLIT2 mRNA. It is a 'silent' change, meaning that it does not change the encoded amino acid sequence of the SLIT2 protein. It affects a nucleotide within the consensus splice site. This variant is present in population databases (rs145381139, gnomAD 0.06%), and has an allele count higher than expected for a pathogenic variant. This variant has not been reported in the literature in individuals affected with SLIT2-related conditions. ClinVar contains an entry for this variant (Variation ID: 2053014). Algorithms developed to predict the effect of sequence changes on RNA splicing suggest that this variant is not likely to affect RNA splicing. In summary, the available evidence is currently insufficient to determine the role of this variant in disease. Therefore, it has been classified as a Variant of Uncertain Significance.

PreventionGenetics, part of Exact Sciences
Classification: Likely benign for SLIT2-related condition. Last evaluated: 2020-05-28. Review status: no assertion criteria provided. Collection method: clinical testing. Allele origin: germline. Not counted in ClinVar's aggregate classification.
Comment: This variant is classified as likely benign based on ACMG/AMP sequence variant interpretation guidelines (Richards et al. 2015 PMID: 25741868, with internal and published modifications).

NM_004787.4(SLIT2):c.2142C>T (p.Asp714=)

Gene: SLIT2 (slit guidance ligand 2; plus strand). Cytogenetic location: 4p15.31.
Variant type: single nucleotide variant.
Coding change: c.2142C>T on transcript NM_004787.4 (MANE Select); coding-DNA position 2142, C replaced by T.
Protein change: p.Asp714=; no amino-acid change (aspartic acid 714 retained).
Molecular consequence: synonymous variant.
Genome position (GRCh38, 1-based): chr4:20,541,618, C>T. VCF-style: chr4-20541618-C-T. GRCh37 (hg19) VCF-style: chr4-20543241-C-T.
Other names: c.2130C>T, p.Asp710= (NM_001289135.3); c.2118C>T, p.Asp706= (NM_001289136.3); c.2142C>T (NM_004787.3).
Identifiers: ClinVar variation 2053014 (VCV002053014.5), dbSNP rs145381139, ClinGen allele CA2871687.